The following is an entry in ClinVar:

NM_053025.4(MYLK):c.232C>T (p.Arg78Cys)

Gene: MYLK (myosin light chain kinase; minus strand). Cytogenetic location: 3q21.1.
Variant type: single nucleotide variant.
Coding change: c.232C>T on transcript NM_053025.4 (MANE Select); coding-DNA position 232, C replaced by T.
Protein change: p.Arg78Cys; replaces arginine 78 with cysteine.
Molecular consequence: missense variant. On other transcripts: intron variant (1).
Genome position (GRCh38, 1-based): chr3:123,752,472, G>A on the plus strand (C>T on the coding strand, the complement: MYLK is on the minus strand). VCF-style: chr3-123752472-G-A. GRCh37 (hg19) VCF-style: chr3-123471319-G-A.
Other names: c.232C>T, p.Arg78Cys (NM_053026.4, NM_053027.4, NM_053028.4); c.-155-12471C>T (NM_001321309.2); short protein forms R78C.
Identifiers: ClinVar variation 1789699 (VCV001789699.26), dbSNP rs554364032, ClinGen allele CA068709.

ClinVar aggregate classification (germline): Uncertain significance. Review status: criteria provided, multiple submitters, no conflicts (2 of 4 stars). 3 submissions from 3 submitters: Uncertain significance (3). Last evaluated 2025-07-08.

Conditions:
Familial thoracic aortic aneurysm and aortic dissection (TAAD). Also called: Thoracic aortic aneurysms and dissections. Identifiers: Orphanet 91387, MedGen C4707243, MONDO:0019625.
Aortic aneurysm, familial thoracic 7 (AAT7). Also called: AORTIC DISSECTION, FAMILIAL, WITH OR WITHOUT AORTIC ANEURYSM. Identifiers: MedGen C3151077, MONDO:0013418, OMIM 613780.

Allele frequency attached by ClinVar (database versions not stated): TOPMed below 0.00001; gnomAD 0.00001; gnomAD exomes 0.00001; ExAC 0.00002; 1000 Genomes Project 0.00020; 1000 Genomes Project 30x 0.00062.
gnomAD v4.1: 18 of 1,614,174 alleles (0.0011%); highest among the groups gnomAD compares: African/African-American, 0.0053%; no homozygotes.

Submissions (3):

Labcorp Genetics (formerly Invitae), Labcorp
Classification: Uncertain significance for Aortic aneurysm, familial thoracic 7. Last evaluated: 2025-07-08. Review status: criteria provided, single submitter. Criteria: Invitae Variant Classification Sherloc (09022015). Collection method: clinical testing. Allele origin: germline.
Comment: This sequence change replaces arginine, which is basic and polar, with cysteine, which is neutral and slightly polar, at codon 78 of the MYLK protein (p.Arg78Cys). This variant is present in population databases (rs554364032, gnomAD 0.003%). This variant has not been reported in the literature in individuals affected with MYLK-related conditions. ClinVar contains an entry for this variant (Variation ID: 1789699). Invitae Evidence Modeling of protein sequence and biophysical properties (such as structural, functional, and spatial information, amino acid conservation, physicochemical variation, residue mobility, and thermodynamic stability) indicates that this missense variant is not expected to disrupt MYLK protein function with a negative predictive value of 95%. In summary, the available evidence is currently insufficient to determine the role of this variant in disease. Therefore, it has been classified as a Variant of Uncertain Significance.

Ambry Genetics
Classification: Uncertain significance for Familial thoracic aortic aneurysm and aortic dissection. Last evaluated: 2025-05-04. Review status: criteria provided, single submitter. Criteria: Ambry Variant Classification Scheme 2023. Collection method: clinical testing. Allele origin: germline.

CeGaT Center for Human Genetics Tuebingen
Classification: Uncertain significance. Last evaluated: 2024-02-01. Review status: criteria provided, single submitter. Criteria: CeGaT Center For Human Genetics Tuebingen Variant Classification Criteria Version 2. Collection method: clinical testing. Allele origin: germline. Affected: yes. Observed: 1 variant allele.
Comment: MYLK: PM2, BP4